The following is an entry in ClinVar:

NM_001020658.2(PUM1):c.2865G>A (p.Met955Ile)

Gene: PUM1 (pumilio RNA binding family member 1; minus strand). Cytogenetic location: 1p35.2.
Variant type: single nucleotide variant.
Coding change: c.2865G>A on transcript NM_001020658.2 (MANE Select); coding-DNA position 2865, G replaced by A.
Protein change: p.Met955Ile; replaces methionine 955 with isoleucine.
Molecular consequence: missense variant.
Genome position (GRCh38, 1-based): chr1:30,945,475, C>T on the plus strand (G>A on the coding strand, the complement: PUM1 is on the minus strand). VCF-style: chr1-30945475-C-T. GRCh37 (hg19) VCF-style: chr1-31418322-C-T.
Other names: c.2859G>A, p.Met953Ile (NM_014676.3); short protein forms M953I, M955I.
Identifiers: ClinVar variation 1675357 (VCV001675357.33), dbSNP rs2124398367, ClinGen allele CA339562896.

ClinVar aggregate classification (germline): Uncertain significance (1 of 4 stars; one submission).

Submission:

CeGaT Center for Human Genetics Tuebingen
Classification: Uncertain significance. Last evaluated: 2022-03-01. Review status: criteria provided, single submitter. Criteria: CeGaT Center For Human Genetics Tuebingen Variant Classification Criteria Version 2. Collection method: clinical testing. Allele origin: germline. Affected: yes. Observed: 1 variant allele.
Comment: PUM1: PM2, PS2:Moderate, PP2, BP5